The following is an entry in ClinVar:

ClinVar aggregate classification (germline): Benign. Review status: criteria provided, multiple submitters, no conflicts (2 of 4 stars). 10 submissions from 10 submitters: Benign (7). 3 of the submissions do not count toward it. Last evaluated 2026-02-04.

Conditions:
Methylmalonic acidemia (MMA). Also called: Isolated Methylmalonic Acidemia. Identifiers: MedGen C0268583, MeSH C537358, MONDO:0002012, HP:0002912.
Combined malonic and methylmalonic acidemia. Identifiers: Orphanet 289504, MedGen C3280314, MONDO:0013661, OMIM 614265.

Allele frequency attached by ClinVar (database versions not stated): 1000 Genomes Project 0.84924; 1000 Genomes Project 30x 0.85556; TOPMed 0.90847; gnomAD 0.90942 and 0.91794; ESP Exome Variant Server 0.91518.
gnomAD v4.1: 1,446,877 of 1,604,146 alleles (90%); highest among the groups gnomAD compares: Admixed American, 94%; 655,603 homozygotes.

Submissions (10):

Labcorp Genetics (formerly Invitae), Labcorp
Classification: Benign for Combined malonic and methylmalonic acidemia. Last evaluated: 2026-02-04. Review status: criteria provided, single submitter. Criteria: Invitae Variant Classification Sherloc (09022015). Collection method: clinical testing. Allele origin: germline.

Women's Health and Genetics/Laboratory Corporation of America, LabCorp
Classification: Benign. Last evaluated: 2026-01-16. Review status: criteria provided, single submitter. Criteria: LabCorp Variant Classification Summary - May 2015. Collection method: clinical testing. Allele origin: germline.

Blueprint Genetics
Classification: Benign. Last evaluated: 2024-11-27. Review status: criteria provided, single submitter. Criteria: ACMG Guidelines, 2015. Collection method: clinical testing. Allele origin: germline.

Mayo Clinic Laboratories, Mayo Clinic
Classification: Benign. Last evaluated: 2022-03-31. Review status: criteria provided, single submitter. Criteria: ACMG Guidelines, 2015. Collection method: clinical testing. Allele origin: germline. Observed: 99 variant alleles.

Genome-Nilou Lab
Classification: Benign for Combined malonic and methylmalonic acidemia. Last evaluated: 2021-07-01. Review status: criteria provided, single submitter. Criteria: ACMG Guidelines, 2015. Collection method: clinical testing. Allele origin: germline. Affected: no.

GeneDx
Classification: Benign. Last evaluated: 2013-05-29. Review status: criteria provided, single submitter. Criteria: GeneDx Variant Classification (06012015). Collection method: clinical testing. Allele origin: germline. Affected: yes.
Comment: This variant is considered likely benign or benign based on one or more of the following criteria: it is a conservative change, it occurs at a poorly conserved position in the protein, it is predicted to be benign by multiple in silico algorithms, and/or has population frequency not consistent with disease.

Breakthrough Genomics
Classification: Benign. Review status: criteria provided, single submitter. Criteria: ACMG Guidelines, 2015. Collection method: not provided. Allele origin: germline. Inheritance: Unknown mechanism. Affected: yes.

Natera, Inc.
Classification: Benign for Methylmalonic acidemia. Last evaluated: 2020-09-16. Review status: no assertion criteria provided. Collection method: clinical testing. Allele origin: germline. Not counted in ClinVar's aggregate classification.

Diagnostic Laboratory, Department of Genetics, University Medical Center Groningen
Classification: Benign. Review status: no assertion criteria provided. Collection method: clinical testing. Allele origin: germline. Affected: yes. Study: VKGL Data-share Consensus. Not counted in ClinVar's aggregate classification.

Joint Genome Diagnostic Labs from Nijmegen and Maastricht, Radboudumc and MUMC+
Classification: Benign. Review status: no assertion criteria provided. Collection method: clinical testing. Allele origin: germline. Affected: yes. Study: VKGL Data-share Consensus. Not counted in ClinVar's aggregate classification.

NM_001243279.3(ACSF3):c.51G>C (p.Ala17=)

Gene: ACSF3 (acyl-CoA synthetase family member 3; plus strand). Cytogenetic location: 16q24.3.
Variant type: single nucleotide variant.
Coding change: c.51G>C on transcript NM_001243279.3 (MANE Select); coding-DNA position 51, G replaced by C.
Protein change: p.Ala17=; no amino-acid change (alanine 17 retained).
Molecular consequence: synonymous variant. On other transcripts: non-coding transcript variant (3), intron variant (1).
Genome position (GRCh38, 1-based): chr16:89,100,732, G>C. VCF-style: chr16-89100732-G-C. GRCh37 (hg19) VCF-style: chr16-89167140-G-C.
Other names: p.A17A:GCG>GCC; p.Ala17=; c.51G>C, p.Ala17= (NM_001127214.4, NM_174917.5); c.-129-1872G>C (NM_001284316.2).
Identifiers: ClinVar variation 136271 (VCV000136271.23), dbSNP rs7201122, ClinGen allele CA289272.